The following is an entry in ClinVar:

NM_000355.4(TCN2):c.130C>T (p.Arg44Trp)

Gene: TCN2 (transcobalamin 2; plus strand). Cytogenetic location: 22q12.2.
Variant type: single nucleotide variant.
Coding change: c.130C>T on transcript NM_000355.4 (MANE Select); coding-DNA position 130, C replaced by T.
Protein change: p.Arg44Trp; replaces arginine 44 with tryptophan.
Molecular consequence: missense variant.
Genome position (GRCh38, 1-based): chr22:30,610,936, C>T. VCF-style: chr22-30610936-C-T. GRCh37 (hg19) VCF-style: chr22-31006923-C-T.
Other names: c.130C>T, p.Arg44Trp (NM_001184726.2); c.130C>T (NM_000355.3); short protein forms R44W.
Identifiers: ClinVar variation 1063860 (VCV001063860.7), dbSNP rs374992877, ClinGen allele CA10184494.
Genomic context (GRCh38, chr22:30,610,936, plus strand): 5'-CCAGAGATGGACAGCCATCTGGTAGAGAAGTTGGGCCAGCACCTCTTACCTTGGATGGAC[C>T]GGCTTTCCCTGGAGCACTTGAACCCCAGCATCTATGTGGGCCTACGCCTCTCCAGTCTGC-3'
Protein context (NP_000346.2, residues 34-54): LGQHLLPWMD[Arg44Trp]LSLEHLNPSI

ClinVar aggregate classification (germline): Uncertain significance. Review status: criteria provided, multiple submitters, no conflicts (2 of 4 stars). 2 submissions from 2 submitters: Uncertain significance (2). Last evaluated 2026-06-25.

Conditions:
Inborn genetic diseases. Identifiers: MedGen C0950123, MeSH D030342.
Transcobalamin II deficiency (TCN2D). Also called: Transcolabamin II deficiency; TC II DEFICIENCY; TCN2 DEFICIENCY. Identifiers: Orphanet 859, MedGen C0342701, MONDO:0010149, OMIM 275350.

Allele frequency attached by ClinVar (database versions not stated): gnomAD exomes 0.00010; ExAC 0.00017; gnomAD 0.00050 and 0.00053; ESP Exome Variant Server 0.00038.
gnomAD v4.1: 136 of 1,614,068 alleles (0.0084%); highest among the groups gnomAD compares: African/African-American, 0.17%; 1 homozygote.

Submissions (2):

Ambry Genetics
Classification: Uncertain significance for Inborn genetic diseases. Last evaluated: 2026-06-25. Review status: criteria provided, single submitter. Criteria: Ambry Variant Classification Scheme 2023. Collection method: clinical testing. Allele origin: germline.
Comment: The c.130C>T (p.R44W) alteration is located in exon 2 (coding exon 2) of the TCN2 gene. This alteration results from a C to T substitution at nucleotide position 130, causing the arginine (R) at amino acid position 44 to be replaced by a tryptophan (W). Based on data from gnomAD, the T allele has an overall frequency of 0.017% (47/282888) total alleles studied. The highest observed frequency was 0.184% (46/24964) of African alleles. Based on insufficient or conflicting evidence, the clinical significance of this alteration remains unclear.

Labcorp Genetics (formerly Invitae), Labcorp
Classification: Uncertain significance for Transcobalamin II deficiency. Last evaluated: 2022-10-17. Review status: criteria provided, single submitter. Criteria: Invitae Variant Classification Sherloc (09022015). Collection method: clinical testing. Allele origin: germline.
Comment: This sequence change replaces arginine, which is basic and polar, with tryptophan, which is neutral and slightly polar, at codon 44 of the TCN2 protein (p.Arg44Trp). This variant is present in population databases (rs374992877, gnomAD 0.2%). This variant has not been reported in the literature in individuals affected with TCN2-related conditions. ClinVar contains an entry for this variant (Variation ID: 1063860). Advanced modeling of protein sequence and biophysical properties (such as structural, functional, and spatial information, amino acid conservation, physicochemical variation, residue mobility, and thermodynamic stability) performed at Invitae indicates that this missense variant is not expected to disrupt TCN2 protein function. In summary, the available evidence is currently insufficient to determine the role of this variant in disease. Therefore, it has been classified as a Variant of Uncertain Significance.